The following is an entry in ClinVar:

ClinVar aggregate classification (germline): Uncertain significance (1 of 4 stars; one submission).

gnomAD v4.1: 1 of 1,596,514 alleles (0.000063%); highest among the groups gnomAD compares: Non-Finnish European, 0.000085%; no homozygotes.

Submission:

Labcorp Genetics (formerly Invitae), Labcorp
Classification: Uncertain significance. Last evaluated: 2024-10-30. Review status: criteria provided, single submitter. Criteria: Invitae Variant Classification Sherloc (09022015). Collection method: clinical testing. Allele origin: germline.
Comment: This sequence change replaces alanine, which is neutral and non-polar, with valine, which is neutral and non-polar, at codon 10 of the NECTIN1 protein (p.Ala10Val). This variant is not present in population databases (gnomAD no frequency). This variant has not been reported in the literature in individuals affected with NECTIN1-related conditions. An algorithm developed to predict the effect of missense changes on protein structure and function outputs the following: PolyPhen-2: "Not Available". The valine amino acid residue is found in multiple mammalian species, which suggests that this missense change does not adversely affect protein function. In summary, the available evidence is currently insufficient to determine the role of this variant in disease. Therefore, it has been classified as a Variant of Uncertain Significance.

NM_002855.5(NECTIN1):c.29C>T (p.Ala10Val)

Gene: NECTIN1 (nectin cell adhesion molecule 1; minus strand). Cytogenetic location: 11q23.3.
Variant type: single nucleotide variant.
Coding change: c.29C>T on transcript NM_002855.5 (MANE Select); coding-DNA position 29, C replaced by T.
Protein change: p.Ala10Val; replaces alanine 10 with valine.
Molecular consequence: missense variant.
Genome position (GRCh38, 1-based): chr11:119,728,525, G>A on the plus strand (C>T on the coding strand, the complement: NECTIN1 is on the minus strand). VCF-style: chr11-119728525-G-A. GRCh37 (hg19) VCF-style: chr11-119599235-G-A.
Other names: c.29C>T, p.Ala10Val (NM_203285.2, NM_203286.2); short protein forms A10V.
Identifiers: ClinVar variation 3682975 (VCV003682975.2).